The following is an entry in ClinVar:

ClinVar aggregate classification (germline): Conflicting classifications of pathogenicity. Review status: criteria provided, conflicting classifications (1 of 4 stars). 5 submissions from 5 submitters: Uncertain significance (3); Likely benign (2). Last evaluated 2025-10-13.

Conditions:
Cardiovascular phenotype. Identifiers: MedGen CN230736.
Arrhythmogenic cardiomyopathy with wooly hair and keratoderma. Also called: PALMOPLANTAR KERATODERMA WITH LEFT VENTRICULAR CARDIOMYOPATHY AND WOOLLY HAIR; Carvajal syndrome; Dilated cardiomyopathy with woolly hair and keratoderma; Arrhythmogenic cardiomyopathy with woolly hair and keratoderma. Identifiers: Orphanet 65282, MedGen C1854063, MONDO:0011581, OMIM 605676.
Arrhythmogenic right ventricular dysplasia 8 (ARVD8). Also called: ARRHYTHMOGENIC RIGHT VENTRICULAR DYSPLASIA, FAMILIAL, 8; ARRHYTHMOGENIC RIGHT VENTRICULAR CARDIOMYOPATHY 8; Arrhythmogenic Right Ventricular Dysplasia/Cardiomyopathy 8. Identifiers: MedGen C1843896, MONDO:0011831, OMIM 607450.
Cardiomyopathy (CMYO). Also called: Cardiomyopathies. Identifiers: Orphanet 167848, MedGen C0878544, MONDO:0004994, HP:0001638. Inheritance: Various modes of inheritance.

Allele frequency attached by ClinVar (database versions not stated): TOPMed below 0.00001; ExAC 0.00001; gnomAD 0.00001 and 0.00002; gnomAD exomes 0.00001; 1000 Genomes Project 30x 0.00016; 1000 Genomes Project 0.00020.
gnomAD v4.1: 24 of 1,614,130 alleles (0.0015%); highest among the groups gnomAD compares: East Asian, 0.0022%; no homozygotes.

Submissions (5):

Women's Health and Genetics/Laboratory Corporation of America, LabCorp
Classification: Uncertain significance. Last evaluated: 2025-10-13. Review status: criteria provided, single submitter. Criteria: LabCorp Variant Classification Summary - May 2015. Collection method: clinical testing. Allele origin: germline.
Comment: Variant summary: DSP c.7847C>T (p.Ser2616Leu) results in a non-conservative amino acid change in the encoded protein sequence. Algorithms developed to predict the effect of missense changes on protein structure and function are either unavailable or do not agree on the potential impact of this missense change. The variant allele was found at a frequency of 8e-06 in 250996 control chromosomes. The available data on variant occurrences in the general population are insufficient to allow any conclusion about variant significance. c.7847C>T has been observed in individual(s) affected with Arrhythmogenic Right Ventricular Dysplasia/Cardiomyopathy. These report(s) do not provide unequivocal conclusions about association of the variant with Arrhythmogenic Right Ventricular Dysplasia/Cardiomyopathy. To our knowledge, no experimental evidence demonstrating an impact on protein function has been reported. The following publications have been ascertained in the context of this evaluation (PMID: 37652022, 27532257). ClinVar contains an entry for this variant (Variation ID: 629550). Based on the evidence outlined above, the variant was classified as uncertain significance.

Labcorp Genetics (formerly Invitae), Labcorp
Classification: Likely benign for Arrhythmogenic cardiomyopathy with wooly hair and keratoderma; Arrhythmogenic right ventricular dysplasia 8. Last evaluated: 2025-04-17. Review status: criteria provided, single submitter. Criteria: Invitae Variant Classification Sherloc (09022015). Collection method: clinical testing. Allele origin: germline.

Ambry Genetics
Classification: Likely benign for Cardiovascular phenotype. Last evaluated: 2025-03-05. Review status: criteria provided, single submitter. Criteria: Ambry Variant Classification Scheme 2023. Collection method: clinical testing. Allele origin: germline.

All of Us Research Program, National Institutes of Health
Classification: Uncertain significance for Arrhythmogenic cardiomyopathy with wooly hair and keratoderma. Last evaluated: 2024-08-13. Review status: criteria provided, single submitter. Criteria: ACMG Guidelines, 2015. Collection method: clinical testing. Allele origin: germline. Inheritance: Autosomal dominant inheritance. Observed: 4 variant alleles, 4 heterozygotes.
Comment: This missense variant replaces serine with leucine at codon 2616 of the DSP protein. Computational prediction suggests that this variant may not impact protein structure and function (internally defined REVEL score threshold <= 0.5, PMID: 27666373). To our knowledge, functional studies have not been reported for this variant. This variant has not been reported in individuals affected with DSP-related disorders in the literature. This variant has been identified in 3/282376 chromosomes in the general population by the Genome Aggregation Database (gnomAD). The available evidence is insufficient to determine the role of this variant in disease conclusively. Therefore, this variant is classified as a Variant of Uncertain Significance.

This study involves interpretation of variants in research participants for the purpose of population health screening. Participant phenotype was not available at the time of variant classification. Additional details can be found in publication PMID: 35346344, PMCID: PMC8962531

Color Diagnostics, LLC DBA Color Health
Classification: Uncertain significance for Cardiomyopathy. Last evaluated: 2024-06-06. Review status: criteria provided, single submitter. Criteria: ACMG Guidelines, 2015. Collection method: clinical testing. Allele origin: germline.
Comment: This missense variant replaces serine with leucine at codon 2616 of the DSP protein. Computational prediction suggests that this variant may not impact protein structure and function (internally defined REVEL score threshold <= 0.5, PMID: 27666373). To our knowledge, functional studies have not been reported for this variant. This variant has not been reported in individuals affected with DSP-related disorders in the literature. This variant has been identified in 3/282376 chromosomes in the general population by the Genome Aggregation Database (gnomAD). The available evidence is insufficient to determine the role of this variant in disease conclusively. Therefore, this variant is classified as a Variant of Uncertain Significance.

Literature cited by the submitters: PubMed 27532257 (cited by Women's Health and Genetics/Laboratory Corporation of America, LabCorp and Ambry Genetics); PubMed 37652022 (cited by Women's Health and Genetics/Laboratory Corporation of America, LabCorp).

NM_004415.4(DSP):c.7847C>T (p.Ser2616Leu)

Gene: DSP (desmoplakin; plus strand). Cytogenetic location: 6p24.3.
Variant type: single nucleotide variant.
Coding change: c.7847C>T on transcript NM_004415.4 (MANE Select); coding-DNA position 7847, C replaced by T.
Protein change: p.Ser2616Leu; replaces serine 2616 with leucine.
Molecular consequence: missense variant.
Genome position (GRCh38, 1-based): chr6:7,585,109, C>T. VCF-style: chr6-7585109-C-T. GRCh37 (hg19) VCF-style: chr6-7585342-C-T.
Other names: c.7847C>T (LRG_423t1); c.6050C>T, p.Ser2017Leu (NM_001008844.3); c.6518C>T, p.Ser2173Leu (NM_001319034.2); short protein forms S2616L, S2017L, S2173L.
Identifiers: ClinVar variation 629550 (VCV000629550.13), dbSNP rs571577908, ClinGen allele CA050952.